The following is an entry in ClinVar:

ClinVar aggregate classification (germline): Uncertain significance (1 of 4 stars; one submission).

Conditions:
Primary ciliary dyskinesia. Also called: Ciliary dyskinesia. Identifiers: Orphanet 244, MedGen C0008780, MONDO:0016575, HP:0012265.

Submission:

Ambry Genetics
Classification: Uncertain significance for Primary ciliary dyskinesia. Last evaluated: 2021-11-19. Review status: criteria provided, single submitter. Criteria: Ambry Variant Classification Scheme 2023. Collection method: clinical testing. Allele origin: germline.
Comment: The p.R729K variant (also known as c.2186G>A), located in coding exon 13 of the DNAH11 gene, results from a G to A substitution at nucleotide position 2186. The arginine at codon 729 is replaced by lysine, an amino acid with highly similar properties. This amino acid position is conserved. In addition, this alteration is predicted to be tolerated by in silico analysis. Since supporting evidence is limited at this time, the clinical significance of this alteration remains unclear.

NM_001277115.2(DNAH11):c.2186G>A (p.Arg729Lys)

Gene: DNAH11 (dynein axonemal heavy chain 11; plus strand). Cytogenetic location: 7p15.3.
Variant type: single nucleotide variant.
Coding change: c.2186G>A on transcript NM_001277115.2 (MANE Select); coding-DNA position 2186, G replaced by A.
Protein change: p.Arg729Lys; replaces arginine 729 with lysine.
Molecular consequence: missense variant.
Genome position (GRCh38, 1-based): chr7:21,590,934, G>A. VCF-style: chr7-21590934-G-A. GRCh37 (hg19) VCF-style: chr7-21630552-G-A.
Other names: c.2186G>A, p.Arg729Lys (NM_003777.3); short protein forms R729K.
Identifiers: ClinVar variation 1787339 (VCV001787339.2), dbSNP rs2534596144, ClinGen allele CA366941869.